The following is an entry in ClinVar:

NM_000722.4(CACNA2D1):c.177+260T>C

Gene: CACNA2D1 (calcium voltage-gated channel auxiliary subunit alpha2delta 1; minus strand). Cytogenetic location: 7q21.11.
Variant type: single nucleotide variant.
Coding change: c.177+260T>C on transcript NM_000722.4 (MANE Select); 260 bases into the intron after coding-DNA position 177, T replaced by C.
Molecular consequence: intron variant.
Genome position (GRCh38, 1-based): chr7:82,349,308, A>G on the plus strand (T>C on the coding strand, the complement: CACNA2D1 is on the minus strand). VCF-style: chr7-82349308-A-G. GRCh37 (hg19) VCF-style: chr7-81978624-A-G.
Other names: c.177+260T>C (NM_001366867.1, NM_001302890.2).
Identifiers: ClinVar variation 668892 (VCV000668892.1), dbSNP rs13245449, ClinGen allele CA12635143.

ClinVar aggregate classification (germline): Benign (1 of 4 stars; one submission).

Allele frequency attached by ClinVar (database versions not stated): TOPMed 0.26258; 1000 Genomes Project 30x 0.26374; 1000 Genomes Project 0.27077; gnomAD 0.27427 and 0.27886.
gnomAD v4.1: 42,416 of 152,006 alleles (28%); highest among the groups gnomAD compares: East Asian, 53%; 7,507 homozygotes.

Submission:

GeneDx
Classification: Benign. Last evaluated: 2018-06-18. Review status: criteria provided, single submitter. Criteria: GeneDx Variant Classification (06012015). Collection method: clinical testing. Allele origin: germline. Affected: yes.
Comment: This variant is considered likely benign or benign based on one or more of the following criteria: it is a conservative change, it occurs at a poorly conserved position in the protein, it is predicted to be benign by multiple in silico algorithms, and/or has population frequency not consistent with disease.